The following is an entry in ClinVar:

ClinVar aggregate classification (germline): Uncertain significance (1 of 4 stars; one submission).

gnomAD v4.1: 23 of 1,613,862 alleles (0.0014%); highest among the groups gnomAD compares: South Asian, 0.025%; no homozygotes.

Submission:

Labcorp Genetics (formerly Invitae), Labcorp
Classification: Uncertain significance. Last evaluated: 2019-05-29. Review status: criteria provided, single submitter. Criteria: Invitae Variant Classification Sherloc (09022015). Collection method: clinical testing. Allele origin: germline.
Comment: In summary, this variant is a rare missense change with uncertain impact on protein function. There is no indication that it causes disease, but the available evidence is currently insufficient to prove that conclusively. Therefore, it has been classified as a Variant of Uncertain Significance. Algorithms developed to predict the effect of missense changes on protein structure and function (SIFT, PolyPhen-2, Align-GVGD) all suggest that this variant is likely to be disruptive, but these predictions have not been confirmed by published functional studies. This variant is present in population databases (rs375009349, ExAC 0.04%) but has not been reported in the literature in individuals with a SZT2-related disease. This sequence change replaces arginine with leucine at codon 1870 of the SZT2 protein (p.Arg1870Leu). The arginine residue is highly conserved and there is a moderate physicochemical difference between arginine and leucine.

NM_001365999.1(SZT2):c.5780G>T (p.Arg1927Leu)

Gene: SZT2 (SZT2 subunit of KICSTOR complex; plus strand). Cytogenetic location: 1p34.2.
Variant type: single nucleotide variant.
Coding change: c.5780G>T on transcript NM_001365999.1 (MANE Select); coding-DNA position 5780, G replaced by T.
Protein change: p.Arg1927Leu; replaces arginine 1927 with leucine.
Molecular consequence: missense variant.
Genome position (GRCh38, 1-based): chr1:43,433,166, G>T. VCF-style: chr1-43433166-G-T. GRCh37 (hg19) VCF-style: chr1-43898837-G-T.
Other names: c.5609G>T, p.Arg1870Leu (NM_015284.4); short protein forms R1870L, R1927L.
Identifiers: ClinVar variation 411926 (VCV000411926.9), dbSNP rs375009349, ClinGen allele CA809689.